The following is an entry in ClinVar:

ClinVar aggregate classification (germline): Uncertain significance (1 of 4 stars; one submission).

Conditions:
Asphyxiating thoracic dystrophy 5 (SRTD5). Also called: SHORT-RIB THORACIC DYSPLASIA 5 WITH OR WITHOUT POLYDACTYLY; SHORT-RIB THORACIC DYSPLASIA 5 WITHOUT POLYDACTYLY. Identifiers: Orphanet 474, MedGen C3280598, MONDO:0013717, OMIM 614376.
Senior-Loken syndrome 8 (SLSN8). Identifiers: Orphanet 3156, MedGen C4225376, MONDO:0014579, OMIM 616307.

Submission:

Labcorp Genetics (formerly Invitae), Labcorp
Classification: Uncertain significance for Senior-Loken syndrome 8; Asphyxiating thoracic dystrophy 5. Last evaluated: 2024-09-06. Review status: criteria provided, single submitter. Criteria: Invitae Variant Classification Sherloc (09022015). Collection method: clinical testing. Allele origin: germline.
Comment: This sequence change replaces leucine, which is neutral and non-polar, with valine, which is neutral and non-polar, at codon 1308 of the WDR19 protein (p.Leu1308Val). This variant is not present in population databases (gnomAD no frequency). This variant has not been reported in the literature in individuals affected with WDR19-related conditions. Invitae Evidence Modeling of protein sequence and biophysical properties (such as structural, functional, and spatial information, amino acid conservation, physicochemical variation, residue mobility, and thermodynamic stability) has been performed for this missense variant. However, the output from this modeling did not meet the statistical confidence thresholds required to predict the impact of this variant on WDR19 protein function. In summary, the available evidence is currently insufficient to determine the role of this variant in disease. Therefore, it has been classified as a Variant of Uncertain Significance.

NM_025132.4(WDR19):c.3922C>G (p.Leu1308Val)

Gene: WDR19 (WD repeat domain 19; plus strand). Cytogenetic location: 4p14.
Variant type: single nucleotide variant.
Coding change: c.3922C>G on transcript NM_025132.4 (MANE Select); coding-DNA position 3922, C replaced by G.
Protein change: p.Leu1308Val; replaces leucine 1308 with valine.
Molecular consequence: missense variant.
Genome position (GRCh38, 1-based): chr4:39,278,543, C>G. VCF-style: chr4-39278543-C-G. GRCh37 (hg19) VCF-style: chr4-39280163-C-G.
Other names: c.3442C>G, p.Leu1148Val (NM_001317924.2); short protein forms L1148V, L1308V.
Identifiers: ClinVar variation 3757011 (VCV003757011.2).
Genomic context (GRCh38, chr4:39,278,543, plus strand): 5'-AAAGCTAAAGGAATGTTATATATTTAATTTACTCTGCCTTTCCCTCCCCTAAACAGCATG[C>G]TAAACACTGAAAGCACATGTCCTATGTGTTCAGAAAGATTAAACGCTGCTCAGCTGAAAA-3'
Protein context (NP_079408.3, residues 1298-1318): PALYSELKIM[Leu1308Val]NTESTCPMCS